The following is an entry in ClinVar:

ClinVar aggregate classification (germline): Conflicting classifications of pathogenicity. Review status: criteria provided, conflicting classifications (1 of 4 stars). 3 submissions from 3 submitters: Uncertain significance (2); Likely benign (1). Last evaluated 2026-03-26.

Conditions:
SLC27A5-related disorder. Also called: SLC27A5-related condition.

Allele frequency attached by ClinVar (database versions not stated): gnomAD 0.00001; gnomAD exomes 0.00002 and 0.00004; TOPMed 0.00004.
gnomAD v4.1: 33 of 1,553,776 alleles (0.0021%); highest among the groups gnomAD compares: Middle Eastern, 0.021%; no homozygotes.

Submissions (3):

PreventionGenetics, part of Exact Sciences
Classification: Uncertain significance for SLC27A5-related condition. Last evaluated: 2026-03-26. Review status: criteria provided, single submitter. Criteria: ACMG Guidelines, 2015. Collection method: clinical testing. Allele origin: germline.
Comment: The SLC27A5 c.169G>A variant is predicted to result in the amino acid substitution p.Gly57Ser. To our knowledge, this variant has not been reported in the literature. This variant is reported in 0.054% of alleles in individuals of East Asian descent in gnomAD. Although we suspect that this variant may be benign, at this time, the clinical significance of this variant is uncertain due to the absence of conclusive functional and genetic evidence.

Ambry Genetics
Classification: Likely benign. Last evaluated: 2024-07-05. Review status: criteria provided, single submitter. Criteria: Ambry Variant Classification Scheme 2023. Collection method: clinical testing. Allele origin: germline.

Eurofins Ntd Llc (ga)
Classification: Uncertain significance. Last evaluated: 2016-10-31. Review status: criteria provided, single submitter. Criteria: EGL Classification Definitions 2015. Collection method: clinical testing. Allele origin: germline. Observed: 1 variant allele, 1 heterozygote.

NM_012254.3(SLC27A5):c.169G>A (p.Gly57Ser)

Gene: SLC27A5 (solute carrier family 27 member 5; minus strand). Cytogenetic location: 19q13.43.
Variant type: single nucleotide variant.
Coding change: c.169G>A on transcript NM_012254.3 (MANE Select); coding-DNA position 169, G replaced by A.
Protein change: p.Gly57Ser; replaces glycine 57 with serine.
Molecular consequence: missense variant.
Genome position (GRCh38, 1-based): chr19:58,511,787, C>T on the plus strand (G>A on the coding strand, the complement: SLC27A5 is on the minus strand). VCF-style: chr19-58511787-C-T. GRCh37 (hg19) VCF-style: chr19-59023154-C-T.
Other names: c.169G>A (NM_012254.2); c.169G>A, p.Gly57Ser (NM_001321196.2); short protein forms G57S.
Identifiers: ClinVar variation 498159 (VCV000498159.7), dbSNP rs887693979, ClinGen allele CA310609201.